The following is an entry in ClinVar:

ClinVar aggregate classification (germline): Likely pathogenic (1 of 4 stars; one submission).

Conditions:
Autoimmune lymphoproliferative syndrome type 2B. Also called: AUTOIMMUNE LYMPHOPROLIFERATIVE SYNDROME, TYPE IIB. Identifiers: Orphanet 275517, MedGen C1846545, MONDO:0011804, OMIM 607271.

gnomAD v4.1: 1 of 1,611,636 alleles (0.000062%); highest among the groups gnomAD compares: Non-Finnish European, 0.000085%; no homozygotes.

Submission:

Labcorp Genetics (formerly Invitae), Labcorp
Classification: Likely pathogenic for Autoimmune lymphoproliferative syndrome type 2B. Last evaluated: 2025-10-11. Review status: criteria provided, single submitter. Criteria: Invitae Variant Classification Sherloc (09022015). Collection method: clinical testing. Allele origin: germline.
Comment: This sequence change affects an acceptor splice site in intron 3 of the CASP8 gene. It is expected to disrupt RNA splicing. Variants that disrupt the donor or acceptor splice site typically lead to a loss of protein function (PMID: 16199547), and loss-of-function variants in CASP8 are known to be pathogenic (PMID: 12353035, 25814141). This variant is not present in population databases (gnomAD no frequency). This variant has not been reported in the literature in individuals affected with CASP8-related conditions. In summary, the currently available evidence indicates that the variant is pathogenic, but additional data are needed to prove that conclusively. Therefore, this variant has been classified as Likely Pathogenic.

Literature cited by the submitters: PubMed 16199547; PubMed 12353035; PubMed 25814141.

NM_001372051.1(CASP8):c.306-2007G>T

Gene: CASP8 (caspase 8; plus strand). Cytogenetic location: 2q33.1.
Variant type: single nucleotide variant.
Coding change: c.306-2007G>T on transcript NM_001372051.1 (MANE Select); 2007 bases into the intron before coding-DNA position 306, G replaced by T.
Molecular consequence: intron variant. On other transcripts: splice acceptor variant (1).
Genome position (GRCh38, 1-based): chr2:201,269,509, G>T. VCF-style: chr2-201269509-G-T. GRCh37 (hg19) VCF-style: chr2-202134232-G-T.
Other names: c.306-1G>T (NM_001228.5); c.306-2007G>T (NM_001400651.1, NM_001400663.1, NM_001400657.1 and 20 more transcripts); c.-227-2007G>T (NM_001400677.1, NM_001400750.1, NM_001400751.1 and 6 more transcripts); c.-4-2007G>T (NM_001400669.1); c.-306-2007G>T (NM_001400680.1); c.483-2007G>T (NM_001080125.2, NM_001400642.1, NM_001400665.1); c.-408-2007G>T (NM_001400674.1).
Identifiers: ClinVar variation 4707109 (VCV004707109.1).